The following is an entry in ClinVar:

NM_000059.4(BRCA2):c.8254A>T (p.Ile2752Phe)

Gene: BRCA2 (BRCA2 DNA repair associated; plus strand). Cytogenetic location: 13q13.1.
Variant type: single nucleotide variant.
Coding change: c.8254A>T on transcript NM_000059.4 (MANE Select); coding-DNA position 8254, A replaced by T.
Protein change: p.Ile2752Phe; replaces isoleucine 2752 with phenylalanine.
Molecular consequence: missense variant.
Genome position (GRCh38, 1-based): chr13:32,363,456, A>T. VCF-style: chr13-32363456-A-T. GRCh37 (hg19) VCF-style: chr13-32937593-A-T.
Other names: short protein forms I2752F.
Identifiers: ClinVar variation 52538 (VCV000052538.62), dbSNP rs80359072, ClinGen allele CA025541.

ClinVar aggregate classification (germline): Conflicting classifications of pathogenicity. Review status: criteria provided, conflicting classifications (1 of 4 stars). 7 submissions from 7 submitters: Uncertain significance (4); Likely benign (2). 1 of the submissions does not count toward it. Last evaluated 2026-02-03.

Conditions:
Hereditary breast ovarian cancer syndrome. Also called: Hereditary breast and ovarian cancer syndrome; Hereditary breast and ovarian cancer; Hereditary breast and ovarian cancer syndrome (HBOC); Breast and ovarian cancer; Hereditary breast and/or ovarian cancer syndrome; BRCA1- and BRCA2-Associated Hereditary Breast and Ovarian Cancer. Identifiers: Orphanet 145, MedGen C0677776, MeSH D061325, MONDO:0003582. Disease mechanism: loss of function.
Hereditary cancer-predisposing syndrome. Also called: Neoplastic Syndromes, Hereditary; Tumor predisposition; Hereditary neoplastic syndrome; Hereditary Cancer Syndrome. Identifiers: Orphanet 140162, MedGen C0027672, MeSH D009386, MONDO:0015356.
Breast-ovarian cancer, familial, susceptibility to, 2 (BROVCA2). Also called: BRCA2 Hereditary Breast and Ovarian Cancer. Identifiers: Orphanet 145, MedGen C2675520, MONDO:0012933, OMIM 612555. Disease mechanism: loss of function.

Allele frequency attached by ClinVar (database versions not stated): gnomAD exomes below 0.00001.
gnomAD v4.1: 2 of 1,614,180 alleles (0.00012%); highest among the groups gnomAD compares: Non-Finnish European, 0.00017%; no homozygotes.

Submissions (7):

Labcorp Genetics (formerly Invitae), Labcorp
Classification: Uncertain significance for Hereditary breast ovarian cancer syndrome. Last evaluated: 2026-02-03. Review status: criteria provided, single submitter. Criteria: Invitae Variant Classification Sherloc (09022015). Collection method: clinical testing. Allele origin: germline.
Comment: This sequence change replaces isoleucine, which is neutral and non-polar, with phenylalanine, which is neutral and non-polar, at codon 2752 of the BRCA2 protein (p.Ile2752Phe). This variant is not present in population databases (gnomAD no frequency). This missense change has been observed in individual(s) with breast and/or ovarian cancer (PMID: 21232165, 22366370, 38785549). ClinVar contains an entry for this variant (Variation ID: 52538). Invitae Evidence Modeling of protein sequence and biophysical properties (such as structural, functional, and spatial information, amino acid conservation, physicochemical variation, residue mobility, and thermodynamic stability) indicates that this missense variant is not expected to disrupt BRCA2 protein function with a negative predictive value of 95%. In summary, the available evidence is currently insufficient to determine the role of this variant in disease. Therefore, it has been classified as a Variant of Uncertain Significance.

Ambry Genetics
Classification: Likely benign for Hereditary cancer-predisposing syndrome. Last evaluated: 2025-05-08. Review status: criteria provided, single submitter. Criteria: Ambry Variant Classification Scheme 2023. Collection method: clinical testing. Allele origin: germline.

Quest Diagnostics Nichols Institute San Juan Capistrano
Classification: Uncertain significance. Last evaluated: 2024-07-30. Review status: criteria provided, single submitter. Criteria: Quest Diagnostics criteria. Collection method: clinical testing. Allele origin: unknown.
Comment: The BRCA2 c.8254A>T (p.Ile2752Phe) variant has been reported in the published literature in individuals with a personal or family history of breast and/or ovarian cancer (PMID: 38785549 (2024), 22366370 (2012), 21232165 (2011)). This variant was reported as being likely benign in a multifactorial likelihood study (PMID: 31131967 (2019)). This variant has not been reported in large, multi-ethnic general populations (Genome Aggregation Database). Analysis of this variant using bioinformatics tools for the prediction of the effect of amino acid changes on protein structure and function yielded conflicting predictions that this variant is benign or damaging. Based on the available information, we are unable to determine the clinical significance of this variant.

All of Us Research Program, National Institutes of Health
Classification: Uncertain significance for Breast-ovarian cancer, familial, susceptibility to, 2. Last evaluated: 2023-09-05. Review status: criteria provided, single submitter. Criteria: ACMG Guidelines, 2015. Collection method: clinical testing. Allele origin: germline. Inheritance: Autosomal dominant inheritance. Observed: 1 variant allele, 1 heterozygote.
Comment: This missense variant replaces isoleucine with phenylalanine at codon 2752 of the BRCA2 protein. Computational prediction is inconclusive regarding the impact of this variant on protein structure and function (internally defined REVEL score threshold 0.5 < inconclusive < 0.7, PMID: 27666373). To our knowledge, functional studies have not been reported for this variant. This variant has been detected in a breast cancer case-control meta-analysis in 2/60463 cases and 0/53461 unaffected individuals (PMID: 33471991; Leiden Open Variation Database DB-ID BRCA2_000302) and in suspected hereditary breast and ovarian cancer families (PMID: 21232165, 22366370). A multifactorial analysis has reported co-occurrence and family history likelihood ratios for pathogenicity of 1.0498 and 0.3348, respectively (PMID: 31131967). This variant has not been identified in the general population by the Genome Aggregation Database (gnomAD). The available evidence is insufficient to determine the role of this variant in disease conclusively. Therefore, this variant is classified as a Variant of Uncertain Significance.

This study involves interpretation of variants in research participants for the purpose of population health screening. Participant phenotype was not available at the time of variant classification. Additional details can be found in publication PMID: 35346344, PMCID: PMC8962531

Color Diagnostics, LLC DBA Color Health
Classification: Uncertain significance for Hereditary cancer-predisposing syndrome. Last evaluated: 2022-01-05. Review status: criteria provided, single submitter. Criteria: ACMG Guidelines, 2015. Collection method: clinical testing. Allele origin: germline.
Comment: This missense variant replaces isoleucine with phenylalanine at codon 2752 of the BRCA2 protein. Computational prediction is inconclusive regarding the impact of this variant on protein structure and function (internally defined REVEL score threshold 0.5 < inconclusive < 0.7, PMID: 27666373). To our knowledge, functional studies have not been reported for this variant. This variant has been detected in a breast cancer case-control meta-analysis in 2/60463 cases and 0/53461 unaffected individuals (PMID: 33471991; Leiden Open Variation Database DB-ID BRCA2_000302) and in suspected hereditary breast and ovarian cancer families (PMID: 21232165, 22366370). A multifactorial analysis has reported co-occurrence and family history likelihood ratios for pathogenicity of 1.0498 and 0.3348, respectively (PMID: 31131967). This variant has not been identified in the general population by the Genome Aggregation Database (gnomAD). The available evidence is insufficient to determine the role of this variant in disease conclusively. Therefore, this variant is classified as a Variant of Uncertain Significance.

GeneDx
Classification: Likely benign. Last evaluated: 2021-02-22. Review status: criteria provided, single submitter. Criteria: GeneDx Variant Classification Process June 2021. Collection method: clinical testing. Allele origin: germline. Affected: yes.
Comment: This variant is associated with the following publications: (PMID: 31131967, 22366370, 19043619, 21232165)

Breast Cancer Information Core (BIC) (BRCA2)
Classification: Uncertain significance for Breast-ovarian cancer, familial 2. Last evaluated: 2004-02-20. Review status: no assertion criteria provided. Collection method: clinical testing. Allele origin: germline. Affected: yes. Observed: 2 variant alleles. Not counted in ClinVar's aggregate classification.

Literature cited by the submitters: PubMed 21232165 (cited by 4 submitters); PubMed 22366370 (cited by 4 submitters); PubMed 38785549 (cited by Labcorp Genetics (formerly Invitae), Labcorp and Quest Diagnostics Nichols Institute San Juan Capistrano); PubMed 33471991 (cited by 3 submitters); PubMed 31131967 (cited by 3 submitters).